The following is an entry in ClinVar:

ClinVar aggregate classification (germline): Uncertain significance (1 of 4 stars; one submission).

Conditions:
Hereditary nonpolyposis colorectal neoplasms. Identifiers: MedGen C0009405, MeSH D003123.

Submission:

Labcorp Genetics (formerly Invitae), Labcorp
Classification: Uncertain significance for Hereditary nonpolyposis colorectal neoplasms. Last evaluated: 2025-10-21. Review status: criteria provided, single submitter. Criteria: Invitae Variant Classification Sherloc (09022015). Collection method: clinical testing. Allele origin: germline.
Comment: This sequence change replaces lysine, which is basic and polar, with glutamine, which is neutral and polar, at codon 1233 of the MSH6 protein (p.Lys1233Gln). This variant is not present in population databases (gnomAD no frequency). This variant has not been reported in the literature in individuals affected with MSH6-related conditions. Invitae Evidence Modeling of protein sequence and biophysical properties (such as structural, functional, and spatial information, amino acid conservation, physicochemical variation, residue mobility, and thermodynamic stability) indicates that this missense variant is not expected to disrupt MSH6 protein function with a negative predictive value of 95%. In summary, the available evidence is currently insufficient to determine the role of this variant in disease. Therefore, it has been classified as a Variant of Uncertain Significance.

NM_000179.3(MSH6):c.3697A>C (p.Lys1233Gln)

Gene: MSH6 (mutS homolog 6; plus strand). Cytogenetic location: 2p16.3.
Variant type: single nucleotide variant.
Coding change: c.3697A>C on transcript NM_000179.3 (MANE Select); coding-DNA position 3697, A replaced by C.
Protein change: p.Lys1233Gln; replaces lysine 1233 with glutamine.
Molecular consequence: missense variant. On other transcripts: non-coding transcript variant (5).
Genome position (GRCh38, 1-based): chr2:47,806,254, A>C. VCF-style: chr2-47806254-A-C. GRCh37 (hg19) VCF-style: chr2-48033393-A-C.
Other names: c.3307A>C, p.Lys1103Gln (NM_001281492.2); c.2791A>C, p.Lys931Gln (NM_001281493.2, NM_001281494.2, NM_001406811.1 and 6 more transcripts); c.3793A>C, p.Lys1265Gln (NM_001406795.1, NM_001406802.1); c.3697A>C, p.Lys1233Gln (NM_001406796.1, NM_001406800.1, NM_001406808.1 and 1 more transcripts); c.3400A>C, p.Lys1134Gln (NM_001406797.1, NM_001406801.1, NM_001406805.1 and 10 more transcripts); c.3523A>C, p.Lys1175Gln (NM_001406798.1); c.3172A>C, p.Lys1058Gln (NM_001406799.1, NM_001406806.1, NM_001406807.1); c.2833A>C, p.Lys945Gln (NM_001406803.1); and 7 more; short protein forms K1058Q, K1103Q, K1134Q, K1175Q, K1177Q, K1207Q, K1233Q, K1235Q.
Identifiers: ClinVar variation 4800232 (VCV004800232.1).
Genomic context (GRCh38, chr2:47,806,254, plus strand): 5'-ACTTTAACAGGAAGAGGTACTGCAACATTTGATGGGACGGCAATAGCAAATGCAGTTGTT[A>C]AAGAACTTGCTGAGACTATAAAATGTCGTACATTATTTTCAACTCACTACCATTCATTAG-3'
Protein context (NP_000170.1, residues 1223-1243): DGTAIANAVV[Lys1233Gln]ELAETIKCRT